The following is an entry in ClinVar:

ClinVar aggregate classification (germline): Uncertain significance (1 of 4 stars; one submission).

Submission:

Athena Diagnostics
Classification: Uncertain significance. Last evaluated: 2021-09-15. Review status: criteria provided, single submitter. Criteria: Athena Diagnostics Criteria. Collection method: clinical testing. Allele origin: unknown.
Comment: This observation is not an independent occurrence and has been identified in the same individual by RCIGM, the other laboratory participating in the GEMINI study.

NM_006015.6(ARID1A):c.2096C>G (p.Pro699Arg)

Gene: ARID1A (AT-rich interaction domain 1A; plus strand). Cytogenetic location: 1p36.11.
Variant type: single nucleotide variant.
Coding change: c.2096C>G on transcript NM_006015.6 (MANE Select); coding-DNA position 2096, C replaced by G.
Protein change: p.Pro699Arg; replaces proline 699 with arginine.
Molecular consequence: missense variant.
Genome position (GRCh38, 1-based): chr1:26,761,031, C>G. VCF-style: chr1-26761031-C-G. GRCh37 (hg19) VCF-style: chr1-27087522-C-G.
Other names: c.2096C>G, p.Pro699Arg (NM_139135.4); short protein forms P699R.
Identifiers: ClinVar variation 1809737 (VCV001809737.1), dbSNP rs2124056238, ClinGen allele CA339153091.